The following is an entry in ClinVar:

ClinVar aggregate classification (germline): Uncertain significance. Review status: criteria provided, multiple submitters, no conflicts (2 of 4 stars). 3 submissions from 3 submitters: Uncertain significance (3). Last evaluated 2025-09-28.

Conditions:
Hereditary cancer-predisposing syndrome. Also called: Neoplastic Syndromes, Hereditary; Hereditary Cancer Syndrome; Tumor predisposition; Hereditary neoplastic syndrome. Identifiers: Orphanet 140162, MedGen C0027672, MeSH D009386, MONDO:0015356.
Familial adenomatous polyposis 1 (FAP1). Also called: FAMILIAL ADENOMATOUS POLYPOSIS 1, ATTENUATED; POLYPOSIS, ADENOMATOUS INTESTINAL. Identifiers: MedGen C2713442, MONDO:0021056, OMIM 175100. Disease mechanism: loss of function.

Allele frequency attached by ClinVar (database versions not stated): gnomAD exomes below 0.00001 and 0.00001.
gnomAD v4.1: 2 of 1,613,928 alleles (0.00012%); highest among the groups gnomAD compares: Non-Finnish European, 0.00017%; no homozygotes.

Submissions (3):

Labcorp Genetics (formerly Invitae), Labcorp
Classification: Uncertain significance for Familial adenomatous polyposis 1. Last evaluated: 2025-09-28. Review status: criteria provided, single submitter. Criteria: Invitae Variant Classification Sherloc (09022015). Collection method: clinical testing. Allele origin: germline.
Comment: This sequence change replaces lysine, which is basic and polar, with glutamic acid, which is acidic and polar, at codon 1769 of the APC protein (p.Lys1769Glu). This variant is present in population databases (no rsID available, gnomAD 0.002%). This variant has not been reported in the literature in individuals affected with APC-related conditions. ClinVar contains an entry for this variant (Variation ID: 927892). Invitae Evidence Modeling of protein sequence and biophysical properties (such as structural, functional, and spatial information, amino acid conservation, physicochemical variation, residue mobility, and thermodynamic stability) indicates that this missense variant is not expected to disrupt APC protein function with a negative predictive value of 95%. In summary, the available evidence is currently insufficient to determine the role of this variant in disease. Therefore, it has been classified as a Variant of Uncertain Significance.

Ambry Genetics
Classification: Uncertain significance for Hereditary cancer-predisposing syndrome. Last evaluated: 2024-10-09. Review status: criteria provided, single submitter. Criteria: Ambry Variant Classification Scheme 2023. Collection method: clinical testing. Allele origin: germline.
Comment: The p.K1769E variant (also known as c.5305A>G), located in coding exon 15 of the APC gene, results from an A to G substitution at nucleotide position 5305. The lysine at codon 1769 is replaced by glutamic acid, an amino acid with similar properties. This amino acid position is well conserved in available vertebrate species. Missense alterations in APC are not a common cause of disease (Spier I et al. Genet Med. 2024 Feb;26(2):100992). In addition, in silico predictors for this gene do not accurately predict pathogenicity. Since supporting evidence is limited at this time, the clinical significance of this alteration remains unclear.

Color Diagnostics, LLC DBA Color Health
Classification: Uncertain significance for Hereditary cancer-predisposing syndrome. Last evaluated: 2023-12-04. Review status: criteria provided, single submitter. Criteria: ACMG Guidelines, 2015. Collection method: clinical testing. Allele origin: germline.
Comment: This missense variant replaces lysine with glutamic acid at codon 1769 of the APC protein. Computational prediction tools and conservation analyses are inconclusive regarding the impact of this variant on the protein function. Computational splicing tools suggest that this variant may not impact RNA splicing. To our knowledge, functional assays have not been performed for this variant nor has this variant been reported in individuals affected with hereditary cancer in the literature. This variant has been identified in 2/250634 chromosomes in the general population by the Genome Aggregation Database (gnomAD). Available evidence is insufficient to determine the role of this variant in disease conclusively. Therefore, this variant is classified as a Variant of Uncertain Significance.

NM_000038.6(APC):c.5305A>G (p.Lys1769Glu)

Gene: APC (APC regulator of Wnt signaling pathway; plus strand). Cytogenetic location: 5q22.2.
Variant type: single nucleotide variant.
Coding change: c.5305A>G on transcript NM_000038.6 (MANE Select); coding-DNA position 5305, A replaced by G.
Protein change: p.Lys1769Glu; replaces lysine 1769 with glutamic acid.
Molecular consequence: missense variant.
Genome position (GRCh38, 1-based): chr5:112,840,899, A>G. VCF-style: chr5-112840899-A-G. GRCh37 (hg19) VCF-style: chr5-112176596-A-G.
Other names: c.5305A>G, p.Lys1769Glu (NM_001127510.3, NM_001354895.2); c.5251A>G, p.Lys1751Glu (NM_001127511.3); c.5359A>G, p.Lys1787Glu (NM_001354896.2); c.5335A>G, p.Lys1779Glu (NM_001354897.2); c.5230A>G, p.Lys1744Glu (NM_001354898.2); c.5221A>G, p.Lys1741Glu (NM_001354899.2); c.5182A>G, p.Lys1728Glu (NM_001354900.2); c.5128A>G, p.Lys1710Glu (NM_001354901.2); and 5 more; short protein forms K1486E, K1728E, K1744E, K1787E, K1643E, K1710E, K1741E, K1668E.
Identifiers: ClinVar variation 927892 (VCV000927892.9), dbSNP rs1338830347, ClinGen allele CA16032929.